The following is an entry in ClinVar:

NM_032898.5(CEP19):c.385AAG[2] (p.Lys131del)

Gene: CEP19 (centrosomal protein 19; minus strand). Cytogenetic location: 3q29.
Variant type: Microsatellite.
Coding change: c.385AAG[2] on transcript NM_032898.5 (MANE Select); two copies in a row of the 3-base unit AAG starting at c.385; the reference has three copies in a row; one copy, 3 bases deleted.
Protein change: p.Lys131del; deletes lysine 131.
Molecular consequence: inframe deletion.
Genome position (GRCh38, 1-based): chr3:196,707,650-196,707,652, CTT deleted on the plus strand (AAG on the coding strand, the reverse complement: CEP19 is on the minus strand); deleting any 3 consecutive bases within chr3:196,707,650-196,707,660 gives the same sequence; the position shown is the placement nearest the transcript's 3' end. VCF-style (leftmost placement, unchanged base first): chr3-196707649-CCTT-C. GRCh37 (hg19) VCF-style: chr3-196434520-CCTT-C.
Other names: c.280AAG[2], p.Lys96del (NM_001379468.1); c.385AAG[2], p.Lys131del (NM_001379469.1, NM_001379470.1); short protein forms K131del, K96del.
Identifiers: ClinVar variation 1420190 (VCV001420190.6), dbSNP rs750813457, ClinGen allele CA2782084.

ClinVar aggregate classification (germline): Uncertain significance (1 of 4 stars; one submission).

Submission:

Labcorp Genetics (formerly Invitae), Labcorp
Classification: Uncertain significance. Last evaluated: 2022-08-22. Review status: criteria provided, single submitter. Criteria: Invitae Variant Classification Sherloc (09022015). Collection method: clinical testing. Allele origin: germline.
Comment: This variant, c.403_405del, results in the deletion of 1 amino acid(s) of the CEP19 protein (p.Lys135del), but otherwise preserves the integrity of the reading frame. In summary, the available evidence is currently insufficient to determine the role of this variant in disease. Therefore, it has been classified as a Variant of Uncertain Significance. Experimental studies and prediction algorithms are not available or were not evaluated, and the functional significance of this variant is currently unknown. This variant has not been reported in the literature in individuals affected with CEP19-related conditions. This variant is present in population databases (rs750813457, gnomAD 0.03%).